The following is an entry in ClinVar:

NM_005802.5(TOPORS):c.506G>A (p.Gly169Asp)

Gene: TOPORS (TOP1 binding arginine/serine rich protein, E3 ubiquitin ligase; minus strand). Cytogenetic location: 9p21.1.
Variant type: single nucleotide variant.
Coding change: c.506G>A on transcript NM_005802.5 (MANE Select); coding-DNA position 506, G replaced by A.
Protein change: p.Gly169Asp; replaces glycine 169 with aspartic acid.
Molecular consequence: missense variant.
Genome position (GRCh38, 1-based): chr9:32,544,019, C>T on the plus strand (G>A on the coding strand, the complement: TOPORS is on the minus strand). VCF-style: chr9-32544019-C-T. GRCh37 (hg19) VCF-style: chr9-32544017-C-T.
Other names: c.311G>A, p.Gly104Asp (NM_001195622.2); short protein forms G104D, G169D.
Identifiers: ClinVar variation 1447192 (VCV001447192.9), dbSNP rs375839984, ClinGen allele CA192359571.

ClinVar aggregate classification (germline): Uncertain significance. Review status: criteria provided, multiple submitters, no conflicts (2 of 4 stars). 2 submissions from 2 submitters: Uncertain significance (2). Last evaluated 2024-12-16.

gnomAD v4.1: 22 of 1,614,024 alleles (0.0014%); highest among the groups gnomAD compares: Non-Finnish European, 0.0019%; no homozygotes.

Submissions (2):

Labcorp Genetics (formerly Invitae), Labcorp
Classification: Uncertain significance. Last evaluated: 2024-12-16. Review status: criteria provided, single submitter. Criteria: Invitae Variant Classification Sherloc (09022015). Collection method: clinical testing. Allele origin: germline.
Comment: This sequence change replaces glycine, which is neutral and non-polar, with aspartic acid, which is acidic and polar, at codon 169 of the TOPORS protein (p.Gly169Asp). This variant is not present in population databases (gnomAD no frequency). This variant has not been reported in the literature in individuals affected with TOPORS-related conditions. ClinVar contains an entry for this variant (Variation ID: 1447192). An algorithm developed to predict the effect of missense changes on protein structure and function outputs the following: PolyPhen-2: "Benign". The aspartic acid amino acid residue is found in multiple mammalian species, which suggests that this missense change does not adversely affect protein function. In summary, the available evidence is currently insufficient to determine the role of this variant in disease. Therefore, it has been classified as a Variant of Uncertain Significance.

Blueprint Genetics
Classification: Uncertain significance. Last evaluated: 2021-12-28. Review status: criteria provided, single submitter. Criteria: ACMG Guidelines, 2015. Collection method: clinical testing. Allele origin: germline.